The following is an entry in ClinVar:

ClinVar aggregate classification (germline): Likely benign. Review status: criteria provided, multiple submitters, no conflicts (2 of 4 stars). 3 submissions from 3 submitters: Likely benign (3). Last evaluated 2025-12-31.

Conditions:
Alpha thalassemia-X-linked intellectual disability syndrome (ATRX). Also called: X-linked alpha-thalassemia-mental retardation syndrome; ALPHA-THALASSEMIA/MENTAL RETARDATION SYNDROME, X-LINKED; ATR, NONDELETION TYPE; ATR-X syndrome; Alpha thalassemia mental retardation syndrome, nondeletion type, X-linked; XLMR hypotonic face syndrome. Identifiers: Orphanet 847, MedGen C1845055, MONDO:0010519, OMIM 301040.

Allele frequency attached by ClinVar (database versions not stated): ExAC 0.00001; gnomAD exomes 0.00001.
gnomAD v4.1: 8 of 1,210,978 alleles (0.00066%); highest among the groups gnomAD compares: Non-Finnish European, 0.00089%; no homozygotes.

Submissions (3):

Labcorp Genetics (formerly Invitae), Labcorp
Classification: Likely benign for Alpha thalassemia-X-linked intellectual disability syndrome. Last evaluated: 2025-12-31. Review status: criteria provided, single submitter. Criteria: Invitae Variant Classification Sherloc (09022015). Collection method: clinical testing. Allele origin: germline.

Mayo Clinic Laboratories, Mayo Clinic
Classification: Likely benign. Last evaluated: 2025-11-08. Review status: criteria provided, single submitter. Criteria: ACMG Guidelines, 2015. Collection method: clinical testing. Allele origin: germline. Observed: 1 variant allele.
Comment: BP4, BP7

Women's Health and Genetics/Laboratory Corporation of America, LabCorp
Classification: Likely benign. Last evaluated: 2025-05-27. Review status: criteria provided, single submitter. Criteria: LabCorp Variant Classification Summary - May 2015. Collection method: clinical testing. Allele origin: germline.

NM_000489.6(ATRX):c.3255A>C (p.Gly1085=)

Gene: ATRX (ATRX chromatin remodeler; minus strand). Cytogenetic location: Xq21.1.
Variant type: single nucleotide variant.
Coding change: c.3255A>C on transcript NM_000489.6 (MANE Select); coding-DNA position 3255, A replaced by C.
Protein change: p.Gly1085=; no amino-acid change (glycine 1085 retained).
Molecular consequence: synonymous variant.
Genome position (GRCh38, 1-based): chrX:77,682,001, T>G on the plus strand (A>C on the coding strand, the complement: ATRX is on the minus strand). VCF-style: chrX-77682001-T-G. GRCh37 (hg19) VCF-style: chrX-76937493-T-G.
Other names: p.Gly1085=; c.3141A>C, p.Gly1047= (NM_138270.5); c.3255A>C (NM_000489.5).
Identifiers: ClinVar variation 1607948 (VCV001607948.10), dbSNP rs782801097, ClinGen allele CA10457978.
Genomic context (GRCh38, chrX:77,682,001, plus strand): 5'-TTGTCTCTTCCTTGAACTCTTTCCAAGCAACTTGCACCTTTTCTTCTCTCTACCATATGC[T>G]CCATTCTTACTCTTTTTATCCTCTGAAGAGTCACAACTATCTCCTTTCCCTGTTGACTTC-3'
Protein context (NP_000480.3, residues 1075-1095): DSSEDKKSKN[Gly1085=]AYGREKKRCK